The following is an entry in ClinVar:

ClinVar aggregate classification (germline): Benign/Likely benign. Review status: criteria provided, multiple submitters, no conflicts (2 of 4 stars). 2 submissions from 2 submitters: Benign (1); Likely benign (1). Last evaluated 2025-10-26.

Conditions:
Intellectual disability. Also called: Intellectual functioning disability; intellectual disabilities; Intellectual developmental disorder. Identifiers: MedGen C3714756, MeSH D008607, MONDO:0001071, HP:0001249.

Allele frequency attached by ClinVar (database versions not stated): gnomAD exomes below 0.00001; gnomAD 0.00001; TOPMed 0.00002.
gnomAD v4.1: 8 of 1,594,772 alleles (0.0005%); highest among the groups gnomAD compares: Admixed American, 0.0017%; no homozygotes.

Submissions (2):

Labcorp Genetics (formerly Invitae), Labcorp
Classification: Benign for Intellectual disability. Last evaluated: 2025-10-26. Review status: criteria provided, single submitter. Criteria: Invitae Variant Classification Sherloc (09022015). Collection method: clinical testing. Allele origin: germline.

GeneDx
Classification: Likely benign. Last evaluated: 2020-03-11. Review status: criteria provided, single submitter. Criteria: GeneDx Variant Classification Process June 2021. Collection method: clinical testing. Allele origin: germline. Affected: yes.
Comment: This variant is associated with the following publications: (PMID: 30033060)

NM_001371727.1(GABRB2):c.9A>T (p.Arg3Ser)

Gene: GABRB2 (gamma-aminobutyric acid type A receptor subunit beta2; minus strand). Cytogenetic location: 5q34.
Variant type: single nucleotide variant.
Coding change: c.9A>T on transcript NM_001371727.1 (MANE Select); coding-DNA position 9, A replaced by T.
Protein change: p.Arg3Ser; replaces arginine 3 with serine.
Molecular consequence: missense variant.
Genome position (GRCh38, 1-based): chr5:161,546,635, T>A on the plus strand (A>T on the coding strand, the complement: GABRB2 is on the minus strand). VCF-style: chr5-161546635-T-A. GRCh37 (hg19) VCF-style: chr5-160973641-T-A.
Other names: c.9A>T, p.Arg3Ser (NM_000813.3, NM_021911.3); short protein forms R3S.
Identifiers: ClinVar variation 533530 (VCV000533530.11), dbSNP rs967225542, ClinGen allele CA131044129.